The following is an entry in ClinVar:

NM_001126108.2(SLC12A3):c.180dup (p.Ile61fs)

Gene: SLC12A3 (solute carrier family 12 member 3; plus strand). Cytogenetic location: 16q13.
Variant type: Duplication.
Coding change: c.180dup on transcript NM_001126108.2 (MANE Select); coding-DNA position 180, one base duplicated (G; older notation c.180dupG).
Protein change: p.Ile61fs; shifts the reading frame from isoleucine 61.
Molecular consequence: frameshift variant.
Genome position (GRCh38, 1-based): chr16:56,865,415, G duplicated. VCF-style (leftmost placement, unchanged base first): chr16-56865414-C-CG. GRCh37 (hg19) VCF-style: chr16-56899326-C-CG.
Other names: c.180dup, p.Ile61fs (NM_000339.3, NM_001126107.2, NM_001410896.1); short protein forms I61fs.
Identifiers: ClinVar variation 3361131 (VCV003361131.2).

ClinVar aggregate classification (germline): Likely pathogenic (1 of 4 stars; one submission).

Submission:

GeneDx
Classification: Likely pathogenic. Last evaluated: 2025-09-02. Review status: criteria provided, single submitter. Criteria: GeneDx Variant Classification Process June 2021. Collection method: clinical testing. Allele origin: germline.
Comment: Frameshift variant predicted to result in protein truncation or nonsense mediated decay in a gene for which loss of function is a known mechanism of disease; Not observed at significant frequency in large population cohorts (gnomAD); Has not been previously published as pathogenic or benign to our knowledge